The following is an entry in ClinVar:

NC_000002.11:g.(?_15506684)_(15536619_?)del

Gene: NBAS (NBAS subunit of NRZ tethering complex; minus strand). Cytogenetic location: 2p24.3.
Variant type: Deletion.
Identifiers: ClinVar variation 2426226 (VCV002426226.2).

ClinVar aggregate classification (germline): Pathogenic (1 of 4 stars; one submission).

Submission:

Labcorp Genetics (formerly Invitae), Labcorp
Classification: Pathogenic. Last evaluated: 2022-08-29. Review status: criteria provided, single submitter. Criteria: Invitae Variant Classification Sherloc (09022015). Collection method: clinical testing. Allele origin: germline.
Comment: For these reasons, this variant has been classified as Pathogenic. This variant has not been reported in the literature in individuals affected with NBAS-related conditions. This variant is a gross deletion of the genomic region encompassing exon(s) 27-32 of the NBAS gene. This deletion is out-of-frame, and is expected to create a premature termination codon and result in an absent or disrupted protein product. Loss-of-function variants in NBAS are known to be pathogenic (PMID: 26073778, 26541327, 27789416, 28031453).

Literature cited by the submitters: PubMed 26073778; PubMed 26541327; PubMed 27789416; PubMed 28031453.